The following is an entry in ClinVar:

NM_004994.3(MMP9):c.1861del (p.Arg621fs)

Genes: SLC12A5-AS1 (SLC12A5 and MMP9 antisense RNA 1; minus strand), MMP9 (matrix metallopeptidase 9; plus strand), LOC130065978 (ATAC-STARR-seq lymphoblastoid silent region 12969; plus strand). Cytogenetic location: 20q13.12.
Variant type: Deletion.
Coding change: c.1861del on transcript NM_004994.3 (MANE Select); coding-DNA position 1861, one base deleted (A; older notation c.1861delA).
Protein change: p.Arg621fs; shifts the reading frame from arginine 621.
Molecular consequence: frameshift variant. On other transcripts: non-coding transcript variant (1).
Genome position (GRCh38, 1-based): chr20:46,014,234, A deleted. VCF-style (leftmost placement, unchanged base first): chr20-46014233-CA-C. GRCh37 (hg19) VCF-style: chr20-44642872-CA-C.
Other names: short protein forms R621fs.
Identifiers: ClinVar variation 3726366 (VCV003726366.2).
Genomic context (GRCh38, chr20:46,014,233, plus strand): 5'-TCTGGACAAGCTGGGCCTGGGAGCCGACGTGGCCCAGGTGACCGGGGCCCTCCGGAGTGG[CA>C]GGGGGAAGATGCTGCTGTTCAGCGGGCGGCGCCTCTGGAGGTGAGCGCCGCCGCGGCCGC-3'

ClinVar aggregate classification (germline): Uncertain significance (1 of 4 stars; one submission).

Submission:

Labcorp Genetics (formerly Invitae), Labcorp
Classification: Uncertain significance. Last evaluated: 2024-12-04. Review status: criteria provided, single submitter. Criteria: Invitae Variant Classification Sherloc (09022015). Collection method: clinical testing. Allele origin: germline.
Comment: This sequence change creates a premature translational stop signal (p.Arg621Glyfs*17) in the MMP9 gene. It is expected to result in an absent or disrupted protein product. However, the current clinical and genetic evidence is not sufficient to establish whether loss-of-function variants in MMP9 cause disease. This variant is not present in population databases (gnomAD no frequency). This variant has not been reported in the literature in individuals affected with MMP9-related conditions. In summary, the available evidence is currently insufficient to determine the role of this variant in disease. Therefore, it has been classified as a Variant of Uncertain Significance.